The following is an entry in ClinVar:

ClinVar aggregate classification (germline): Uncertain significance. Review status: criteria provided, multiple submitters, no conflicts (2 of 4 stars). 3 submissions from 3 submitters: Uncertain significance (3). Last evaluated 2025-11-18.

Conditions:
Hereditary cancer-predisposing syndrome. Also called: Tumor predisposition; Hereditary neoplastic syndrome; Neoplastic Syndromes, Hereditary; Hereditary Cancer Syndrome. Identifiers: Orphanet 140162, MedGen C0027672, MeSH D009386, MONDO:0015356.
Rhabdoid tumor predisposition syndrome 2 (RTPS2). Identifiers: Orphanet 231108, Orphanet 69077, MedGen C2750074, MONDO:0013224, OMIM 613325.

Submissions (3):

Labcorp Genetics (formerly Invitae), Labcorp
Classification: Uncertain significance for Rhabdoid tumor predisposition syndrome 2. Last evaluated: 2025-11-18. Review status: criteria provided, single submitter. Criteria: Invitae Variant Classification Sherloc (09022015). Collection method: clinical testing. Allele origin: germline.
Comment: This sequence change replaces isoleucine, which is neutral and non-polar, with valine, which is neutral and non-polar, at codon 452 of the SMARCA4 protein (p.Ile452Val). This variant is not present in population databases (gnomAD no frequency). This variant has not been reported in the literature in individuals affected with SMARCA4-related conditions. ClinVar contains an entry for this variant (Variation ID: 951334). Invitae Evidence Modeling of protein sequence and biophysical properties (such as structural, functional, and spatial information, amino acid conservation, physicochemical variation, residue mobility, and thermodynamic stability) indicates that this missense variant is not expected to disrupt SMARCA4 protein function with a negative predictive value of 95%. In summary, the available evidence is currently insufficient to determine the role of this variant in disease. Therefore, it has been classified as a Variant of Uncertain Significance.

Ambry Genetics
Classification: Uncertain significance for Hereditary cancer-predisposing syndrome. Last evaluated: 2024-03-08. Review status: criteria provided, single submitter. Criteria: Ambry Variant Classification Scheme 2023. Collection method: clinical testing. Allele origin: germline.
Comment: The p.I452V variant (also known as c.1354A>G), located in coding exon 7 of the SMARCA4 gene, results from an A to G substitution at nucleotide position 1354. The isoleucine at codon 452 is replaced by valine, an amino acid with highly similar properties. This amino acid position is well conserved in available vertebrate species. In addition, this alteration is predicted to be tolerated by in silico analysis. Based on the available evidence, the clinical significance of this alteration remains unclear.

Baylor Genetics
Classification: Uncertain significance for Rhabdoid tumor predisposition syndrome 2. Last evaluated: 2024-03-02. Review status: criteria provided, single submitter. Criteria: ACMG Guidelines, 2015. Collection method: clinical testing. Allele origin: unknown.

NM_003072.5(SMARCA4):c.1354A>G (p.Ile452Val)

Gene: SMARCA4 (SWI/SNF related BAF chromatin remodeling complex subunit ATPase 4; plus strand). Cytogenetic location: 19p13.2.
Variant type: single nucleotide variant.
Coding change: c.1354A>G on transcript NM_003072.5 (MANE Select); coding-DNA position 1354, A replaced by G.
Protein change: p.Ile452Val; replaces isoleucine 452 with valine.
Molecular consequence: missense variant. On other transcripts: non-coding transcript variant (1).
Genome position (GRCh38, 1-based): chr19:10,991,258, A>G. VCF-style: chr19-10991258-A-G. GRCh37 (hg19) VCF-style: chr19-11101934-A-G.
Other names: c.1354A>G, p.Ile452Val (NM_001128844.3, NM_001128845.2, NM_001128846.2 and 4 more transcripts); short protein forms I452V.
Identifiers: ClinVar variation 951334 (VCV000951334.13), dbSNP rs2086535406, ClinGen allele CA404060896.